The following is an entry in ClinVar:

NM_001321967.2(ATAD1):c.965+5G>A

Gene: ATAD1 (ATPase family AAA domain containing 1; minus strand). Cytogenetic location: 10q23.31.
Variant type: single nucleotide variant.
Coding change: c.965+5G>A on transcript NM_001321967.2 (MANE Select); 5 bases into the intron after coding-DNA position 965, G replaced by A.
Molecular consequence: intron variant.
Genome position (GRCh38, 1-based): chr10:87,756,784, C>T on the plus strand (G>A on the coding strand, the complement: ATAD1 is on the minus strand). VCF-style: chr10-87756784-C-T. GRCh37 (hg19) VCF-style: chr10-89516541-C-T.
Other names: c.875+5G>A (NM_001321968.2); c.608+5G>A (NM_001321969.2); c.965+5G>A (NM_032810.4).
Identifiers: ClinVar variation 2792893 (VCV002792893.2), dbSNP rs942230969, ClinGen allele CA211245344.

ClinVar aggregate classification (germline): Uncertain significance (1 of 4 stars; one submission).

Allele frequency attached by ClinVar (database versions not stated): TOPMed below 0.00001.
gnomAD v4.1: 3 of 1,587,186 alleles (0.00019%); highest among the groups gnomAD compares: Admixed American, 0.0018%; no homozygotes.

Submission:

Labcorp Genetics (formerly Invitae), Labcorp
Classification: Uncertain significance. Last evaluated: 2023-04-25. Review status: criteria provided, single submitter. Criteria: Invitae Variant Classification Sherloc (09022015). Collection method: clinical testing. Allele origin: germline.
Comment: This sequence change falls in intron 9 of the ATAD1 gene. It does not directly change the encoded amino acid sequence of the ATAD1 protein. It affects a nucleotide within the consensus splice site. The frequency data for this variant in the population databases is considered unreliable, as metrics indicate poor data quality at this position in the gnomAD database. This variant has not been reported in the literature in individuals affected with ATAD1-related conditions. Variants that disrupt the consensus splice site are a relatively common cause of aberrant splicing (PMID: 17576681, 9536098). Algorithms developed to predict the effect of sequence changes on RNA splicing suggest that this variant is not likely to affect RNA splicing. In summary, the available evidence is currently insufficient to determine the role of this variant in disease. Therefore, it has been classified as a Variant of Uncertain Significance.

Literature cited by the submitters: PubMed 17576681; PubMed 9536098.